The following is an entry in ClinVar:

ClinVar aggregate classification (germline): Uncertain significance. Review status: criteria provided, multiple submitters, no conflicts (2 of 4 stars). 2 submissions from 2 submitters: Uncertain significance (2). Last evaluated 2025-09-08.

Conditions:
Inborn genetic diseases. Identifiers: MedGen C0950123, MeSH D030342.

Allele frequency attached by ClinVar (database versions not stated): ExAC 0.00001; gnomAD 0.00001.
gnomAD v4.1: 22 of 1,613,950 alleles (0.0014%); highest among the groups gnomAD compares: African/African-American, 0.0013%; no homozygotes.

Submissions (2):

Labcorp Genetics (formerly Invitae), Labcorp
Classification: Uncertain significance. Last evaluated: 2025-09-08. Review status: criteria provided, single submitter. Criteria: Invitae Variant Classification Sherloc (09022015). Collection method: clinical testing. Allele origin: germline.
Comment: This sequence change replaces proline, which is neutral and non-polar, with alanine, which is neutral and non-polar, at codon 186 of the AP3D1 protein (p.Pro186Ala). This variant is present in population databases (rs751564956, gnomAD 0.01%). This variant has not been reported in the literature in individuals affected with AP3D1-related conditions. ClinVar contains an entry for this variant (Variation ID: 3012303). An algorithm developed to predict the effect of missense changes on protein structure and function (PolyPhen-2) suggests that this variant is likely to be tolerated. In summary, the available evidence is currently insufficient to determine the role of this variant in disease. Therefore, it has been classified as a Variant of Uncertain Significance.

Ambry Genetics
Classification: Uncertain significance for Inborn genetic diseases. Last evaluated: 2024-08-04. Review status: criteria provided, single submitter. Criteria: Ambry Variant Classification Scheme 2023. Collection method: clinical testing. Allele origin: germline.

NM_001261826.3(AP3D1):c.556C>G (p.Pro186Ala)

Gene: AP3D1 (adaptor related protein complex 3 subunit delta 1; minus strand). Cytogenetic location: 19p13.3.
Variant type: single nucleotide variant.
Coding change: c.556C>G on transcript NM_001261826.3 (MANE Select); coding-DNA position 556, C replaced by G.
Protein change: p.Pro186Ala; replaces proline 186 with alanine.
Molecular consequence: missense variant.
Genome position (GRCh38, 1-based): chr19:2,130,444, G>C on the plus strand (C>G on the coding strand, the complement: AP3D1 is on the minus strand). VCF-style: chr19-2130444-G-C. GRCh37 (hg19) VCF-style: chr19-2130443-G-C.
Other names: c.556C>G, p.Pro186Ala (NM_001374799.1, NM_003938.8); c.556C>G (NM_003938.5); short protein forms P186A.
Identifiers: ClinVar variation 3012303 (VCV003012303.4), dbSNP rs751564956, ClinGen allele CA9059678.